The following is an entry in ClinVar:

ClinVar aggregate classification (germline): Likely benign (1 of 4 stars; one submission).

Allele frequency attached by ClinVar (database versions not stated): ExAC 0.00002; gnomAD exomes 0.00003; gnomAD 0.00004; TOPMed 0.00004.
gnomAD v4.1: 55 of 1,613,826 alleles (0.0034%); highest among the groups gnomAD compares: Non-Finnish European, 0.0042%; no homozygotes.

Submission:

CeGaT Center for Human Genetics Tuebingen
Classification: Likely benign. Last evaluated: 2023-03-01. Review status: criteria provided, single submitter. Criteria: CeGaT Center For Human Genetics Tuebingen Variant Classification Criteria Version 2. Collection method: clinical testing. Allele origin: germline. Affected: yes. Observed: 1 variant allele.
Comment: PXDNL: BP4, BP7

NM_144651.5(PXDNL):c.4188A>G (p.Thr1396=)

Gene: PXDNL (peroxidasin like; minus strand). Cytogenetic location: 8q11.22.
Variant type: single nucleotide variant.
Coding change: c.4188A>G on transcript NM_144651.5 (MANE Select); coding-DNA position 4188, A replaced by G.
Protein change: p.Thr1396=; no amino-acid change (threonine 1396 retained).
Molecular consequence: synonymous variant.
Genome position (GRCh38, 1-based): chr8:51,320,856, T>C on the plus strand (A>G on the coding strand, the complement: PXDNL is on the minus strand). VCF-style: chr8-51320856-T-C. GRCh37 (hg19) VCF-style: chr8-52233416-T-C.
Identifiers: ClinVar variation 2658595 (VCV002658595.24), dbSNP rs748474859, ClinGen allele CA4744543.